The following is an entry in ClinVar:

NM_000143.4(FH):c.1346del (p.Met449fs)

Gene: FH (fumarate hydratase; minus strand). Cytogenetic location: 1q43.
Variant type: Deletion.
Coding change: c.1346del on transcript NM_000143.4 (MANE Select); coding-DNA position 1346, one base deleted (T; older notation c.1346delT).
Protein change: p.Met449fs; shifts the reading frame from methionine 449.
Molecular consequence: frameshift variant.
Genome position (GRCh38, 1-based): chr1:241,500,481, A deleted on the plus strand (T on the coding strand, the reverse complement: FH is on the minus strand). VCF-style (leftmost placement, unchanged base first): chr1-241500480-CA-C. GRCh37 (hg19) VCF-style: chr1-241663780-CA-C.
Other names: short protein forms M449fs.
Identifiers: ClinVar variation 2709506 (VCV002709506.3), dbSNP rs2527312860, ClinGen allele CA2697547753.

ClinVar aggregate classification (germline): Pathogenic (1 of 4 stars; one submission).

Submission:

Labcorp Genetics (formerly Invitae), Labcorp
Classification: Pathogenic. Last evaluated: 2024-01-16. Review status: criteria provided, single submitter. Criteria: Invitae Variant Classification Sherloc (09022015). Collection method: clinical testing. Allele origin: germline.
Comment: This sequence change creates a premature translational stop signal (p.Met449Argfs*5) in the FH gene. While this is not anticipated to result in nonsense mediated decay, it is expected to disrupt the last 62 amino acid(s) of the FH protein. This variant is not present in population databases (gnomAD no frequency). This variant has not been reported in the literature in individuals affected with FH-related conditions. This variant disrupts a region of the FH protein in which other variant(s) (p.Leu507Pro) have been determined to be pathogenic (PMID: 12761039; Invitae). This suggests that this is a clinically significant region of the protein, and that variants that disrupt it are likely to be disease-causing. For these reasons, this variant has been classified as Pathogenic.

Literature cited by the submitters: PubMed 12761039.